The following is an entry in ClinVar:

NM_002617.4(PEX10):c.664del (p.Val222fs)

Gene: PEX10 (peroxisomal biogenesis factor 10; minus strand). Cytogenetic location: 1p36.32.
Variant type: Deletion.
Coding change: c.664del on transcript NM_002617.4 (MANE Select); coding-DNA position 664, one base deleted (G; older notation c.664delG).
Protein change: p.Val222fs; shifts the reading frame from valine 222.
Molecular consequence: frameshift variant. On other transcripts: non-coding transcript variant (1).
Genome position (GRCh38, 1-based): chr1:2,406,832, C deleted on the plus strand (G on the coding strand, the reverse complement: PEX10 is on the minus strand); the first of 5 consecutive C bases (chr1:2,406,832-2,406,836); deleting any one gives the same sequence. VCF-style (leftmost placement, unchanged base first): chr1-2406831-AC-A. GRCh37 (hg19) VCF-style: chr1-2338270-AC-A.
Other names: c.721del, p.Val241fs (NM_001374425.1); c.289del, p.Val97fs (NM_001374426.1); c.232del, p.Val78fs (NM_001374427.1); c.724del, p.Val242fs (NM_153818.2); short protein forms V222fs, V241fs, V97fs, V242fs, V78fs.
Identifiers: ClinVar variation 2030695 (VCV002030695.4), dbSNP rs1357189926, ClinGen allele CA521014104.

ClinVar aggregate classification (germline): Pathogenic (1 of 4 stars; one submission).

Conditions:
Peroxisome biogenesis disorder, complementation group 7 (CG7). Also called: Peroxisome biogenesis disorder, complementation group B. Identifiers: MedGen C1864399.

Submission:

Labcorp Genetics (formerly Invitae), Labcorp
Classification: Pathogenic for Peroxisome biogenesis disorder, complementation group 7. Last evaluated: 2022-09-15. Review status: criteria provided, single submitter. Criteria: Invitae Variant Classification Sherloc (09022015). Collection method: clinical testing. Allele origin: germline.
Comment: This sequence change results in a frameshift in the PEX10 gene (p.Val242Serfs*122). While this is not anticipated to result in nonsense mediated decay, it is expected to disrupt the last 105 amino acid(s) of the PEX10 protein and extend the protein by 16 additional amino acid residues. The frequency data for this variant in the population databases is considered unreliable, as metrics indicate poor data quality at this position in the gnomAD database. This variant has not been reported in the literature in individuals affected with PEX10-related conditions. This variant disrupts a region of the PEX10 protein in which other variant(s) (p.Arg331Gln) have been determined to be pathogenic (PMID: 20695019, 27230853). This suggests that this is a clinically significant region of the protein, and that variants that disrupt it are likely to be disease-causing. For these reasons, this variant has been classified as Pathogenic.

Literature cited by the submitters: PubMed 20695019; PubMed 27230853.